The following is an entry in ClinVar:

NM_000384.3(APOB):c.4883C>T (p.Ala1628Val)

Gene: APOB (apolipoprotein B; minus strand). Cytogenetic location: 2p24.1.
Variant type: single nucleotide variant.
Coding change: c.4883C>T on transcript NM_000384.3 (MANE Select); coding-DNA position 4883, C replaced by T.
Protein change: p.Ala1628Val; replaces alanine 1628 with valine.
Molecular consequence: missense variant.
Genome position (GRCh38, 1-based): chr2:21,011,985, G>A on the plus strand (C>T on the coding strand, the complement: APOB is on the minus strand). VCF-style: chr2-21011985-G-A. GRCh37 (hg19) VCF-style: chr2-21234857-G-A.
Other names: short protein forms A1628V.
Identifiers: ClinVar variation 1743800 (VCV001743800.2), dbSNP rs2465376986, ClinGen allele CA346005917.

ClinVar aggregate classification (germline): Uncertain significance (1 of 4 stars; one submission).

Conditions:
Cardiovascular phenotype. Identifiers: MedGen CN230736.

Allele frequency attached by ClinVar (database versions not stated): gnomAD exomes below 0.00001.
gnomAD v4.1: 1 of 1,614,134 alleles (0.000062%); highest among the groups gnomAD compares: Admixed American, 0.0017%; no homozygotes.

Submission:

Ambry Genetics
Classification: Uncertain significance for Cardiovascular phenotype. Last evaluated: 2018-06-01. Review status: criteria provided, single submitter. Criteria: Ambry Variant Classification Scheme 2023. Collection method: clinical testing. Allele origin: germline.
Comment: The p.A1628V variant (also known as c.4883C>T), located in coding exon 26 of the APOB gene, results from a C to T substitution at nucleotide position 4883. The alanine at codon 1628 is replaced by valine, an amino acid with similar properties. This amino acid position is not well conserved in available vertebrate species. In addition, this alteration is predicted to be tolerated by in silico analysis. Since supporting evidence is limited at this time, the clinical significance of this alteration remains unclear.